The following is an entry in ClinVar:

ClinVar aggregate classification (germline): Uncertain significance (1 of 4 stars; one submission).

Allele frequency attached by ClinVar (database versions not stated): gnomAD exomes 0.00001; TOPMed 0.00001; ExAC 0.00002.
gnomAD v4.1: 16 of 1,614,094 alleles (0.00099%); highest among the groups gnomAD compares: South Asian, 0.0099%; no homozygotes.

Submission:

Labcorp Genetics (formerly Invitae), Labcorp
Classification: Uncertain significance. Last evaluated: 2024-12-02. Review status: criteria provided, single submitter. Criteria: Invitae Variant Classification Sherloc (09022015). Collection method: clinical testing. Allele origin: germline.
Comment: This sequence change replaces arginine, which is basic and polar, with histidine, which is basic and polar, at codon 1498 of the DSCAML1 protein (p.Arg1498His). This variant is present in population databases (rs774757490, gnomAD 0.01%). This variant has not been reported in the literature in individuals affected with DSCAML1-related conditions. ClinVar contains an entry for this variant (Variation ID: 1964604). An algorithm developed to predict the effect of missense changes on protein structure and function (PolyPhen-2) suggests that this variant is likely to be disruptive. In summary, the available evidence is currently insufficient to determine the role of this variant in disease. Therefore, it has been classified as a Variant of Uncertain Significance.

NM_020693.4(DSCAML1):c.4313G>A (p.Arg1438His)

Gene: DSCAML1 (DS cell adhesion molecule like 1; minus strand). Cytogenetic location: 11q23.3.
Variant type: single nucleotide variant.
Coding change: c.4313G>A on transcript NM_020693.4 (MANE Select); coding-DNA position 4313, G replaced by A.
Protein change: p.Arg1438His; replaces arginine 1438 with histidine.
Molecular consequence: missense variant.
Genome position (GRCh38, 1-based): chr11:117,438,014, C>T on the plus strand (G>A on the coding strand, the complement: DSCAML1 is on the minus strand). VCF-style: chr11-117438014-C-T. GRCh37 (hg19) VCF-style: chr11-117308730-C-T.
Other names: short protein forms R1438H.
Identifiers: ClinVar variation 1964604 (VCV001964604.5), dbSNP rs774757490, ClinGen allele CA6296409.